The following is an entry in ClinVar:

NM_020911.2(PLXNA4):c.3795C>T (p.Arg1265=)

Gene: PLXNA4 (plexin A4; minus strand). Cytogenetic location: 7q32.3.
Variant type: single nucleotide variant.
Coding change: c.3795C>T on transcript NM_020911.2 (MANE Select); coding-DNA position 3795, C replaced by T.
Protein change: p.Arg1265=; no amino-acid change (arginine 1265 retained).
Molecular consequence: synonymous variant.
Genome position (GRCh38, 1-based): chr7:132,179,766, G>A on the plus strand (C>T on the coding strand, the complement: PLXNA4 is on the minus strand). VCF-style: chr7-132179766-G-A. GRCh37 (hg19) VCF-style: chr7-131864525-G-A.
Other names: c.3795C>T, p.Arg1265= (NM_001393897.1).
Identifiers: ClinVar variation 3057666 (VCV003057666.2), dbSNP rs201296528, ClinGen allele CA4489375.

ClinVar aggregate classification (germline): Likely benign (0 of 4 stars; one submission).

Conditions:
PLXNA4-related disorder. Also called: PLXNA4-related condition.

Allele frequency attached by ClinVar (database versions not stated): gnomAD exomes 0.00001; ExAC 0.00002.
gnomAD v4.1: 23 of 1,614,090 alleles (0.0014%); highest among the groups gnomAD compares: Admixed American, 0.0083%; no homozygotes.

Submission:

PreventionGenetics, part of Exact Sciences
Classification: Likely benign for PLXNA4-related condition. Last evaluated: 2021-06-29. Review status: no assertion criteria provided. Collection method: clinical testing. Allele origin: germline.
Comment: This variant is classified as likely benign based on ACMG/AMP sequence variant interpretation guidelines (Richards et al. 2015 PMID: 25741868, with internal and published modifications).